The following is an entry in ClinVar:

ClinVar aggregate classification (germline): Uncertain significance (1 of 4 stars; one submission).

Allele frequency attached by ClinVar (database versions not stated): TOPMed below 0.00001; gnomAD 0.00001.

Submission:

Labcorp Genetics (formerly Invitae), Labcorp
Classification: Uncertain significance. Last evaluated: 2023-09-22. Review status: criteria provided, single submitter. Criteria: Invitae Variant Classification Sherloc (09022015). Collection method: clinical testing. Allele origin: germline.
Comment: In summary, the available evidence is currently insufficient to determine the role of this variant in disease. Therefore, it has been classified as a Variant of Uncertain Significance. Advanced modeling of protein sequence and biophysical properties (such as structural, functional, and spatial information, amino acid conservation, physicochemical variation, residue mobility, and thermodynamic stability) performed at Invitae indicates that this missense variant is expected to disrupt ACER3 protein function. This variant has not been reported in the literature in individuals affected with ACER3-related conditions. This variant is not present in population databases (gnomAD no frequency). This sequence change replaces tyrosine, which is neutral and polar, with histidine, which is basic and polar, at codon 25 of the ACER3 protein (p.Tyr25His).

NM_018367.7(ACER3):c.73T>C (p.Tyr25His)

Gene: ACER3 (alkaline ceramidase 3; plus strand). Cytogenetic location: 11q13.5.
Variant type: single nucleotide variant.
Coding change: c.73T>C on transcript NM_018367.7 (MANE Select); coding-DNA position 73, T replaced by C.
Protein change: p.Tyr25His; replaces tyrosine 25 with histidine.
Molecular consequence: missense variant. On other transcripts: 5 prime UTR variant (2).
Genome position (GRCh38, 1-based): chr11:76,861,049, T>C. VCF-style: chr11-76861049-T-C. GRCh37 (hg19) VCF-style: chr11-76572093-T-C.
Other names: c.73T>C, p.Tyr25His (NM_001300953.2); c.-284T>C (NM_001300954.2); c.-160T>C (NM_001300955.2); short protein forms Y25H.
Identifiers: ClinVar variation 2966557 (VCV002966557.3), dbSNP rs1202551852, ClinGen allele CA381981276.
Genomic context (GRCh38, chr11:76,861,049, plus strand): 5'-GCGGACCGAGAGGGCTACTGGGGCCCCACGACCTCCACGCTGGACTGGTGCGAGGAGAAC[T>C]ACTCCGTGACCTGGTACATCGCCGAGTTCTGTGAGTGTGGCCTGAGGAGGGGAGTGGGGG-3'
Protein context (NP_060837.3, residues 15-35): TSTLDWCEEN[Tyr25His]SVTWYIAEFW